The following is an entry in ClinVar:

NM_080424.4(SP110):c.80dup (p.His28fs)

Genes: SP140 (SP140 nuclear body protein; plus strand), SP110 (SP110 nuclear body protein; minus strand). Cytogenetic location: 2q37.1.
Variant type: Duplication.
Coding change: c.80dup on transcript NM_080424.4 (MANE Select); coding-DNA position 80, one base duplicated (T; older notation c.80dupT).
Protein change: p.His28fs; shifts the reading frame from histidine 28.
Molecular consequence: frameshift variant.
Genome position (GRCh38, 1-based): chr2:230,216,848, A duplicated on the plus strand (T on the coding strand, the reverse complement: SP110 is on the minus strand). VCF-style (leftmost placement, unchanged base first): chr2-230216847-T-TA. GRCh37 (hg19) VCF-style: chr2-231081562-T-TA.
Other names: c.98dup, p.His34fs (NM_001185015.2, NM_001378444.1, NM_001378442.1 and 2 more transcripts); c.80dup, p.His28fs (NM_001378443.1, NM_001378447.1, NM_004509.5 and 1 more transcripts); short protein forms H34fs, H28fs.
Identifiers: ClinVar variation 2819031 (VCV002819031.3), dbSNP rs2470103647, ClinGen allele CA2663492870.
Genomic context (GRCh38, chr2:230,216,847, plus strand): 5'-CATTCTCTTAGTGATGATGGAGTTGTCTAGGAGGCCTTCAAAGAAGGGAAATGGCTTGTG[T>TA]ATGGCATAGGCGATCCCCAGCTTCTGGTGCATGAAGTGCTGAAAAAGAGCCTCTTCCATG-3'

ClinVar aggregate classification (germline): Pathogenic (1 of 4 stars; one submission).

Conditions:
Hepatic veno-occlusive disease-immunodeficiency syndrome. Also called: Hepatic Veno-Occlusive Disease with Immunodeficiency. Identifiers: Orphanet 79124, MedGen C1856128, MONDO:0009338, OMIM 235550. Disease mechanism: loss of function.

Allele frequency attached by ClinVar (database versions not stated): gnomAD exomes below 0.00001.

Submission:

Labcorp Genetics (formerly Invitae), Labcorp
Classification: Pathogenic for Hepatic veno-occlusive disease-immunodeficiency syndrome. Last evaluated: 2022-12-15. Review status: criteria provided, single submitter. Criteria: Invitae Variant Classification Sherloc (09022015). Collection method: clinical testing. Allele origin: germline.
Comment: This sequence change creates a premature translational stop signal (p.His28Thrfs*8) in the SP110 gene. It is expected to result in an absent or disrupted protein product. Loss-of-function variants in SP110 are known to be pathogenic (PMID: 16648851, 22621957). For these reasons, this variant has been classified as Pathogenic. This variant has not been reported in the literature in individuals affected with SP110-related conditions. This variant is not present in population databases (gnomAD no frequency).

Literature cited by the submitters: PubMed 16648851; PubMed 22621957.